The following is an entry in ClinVar:

ClinVar aggregate classification (germline): Uncertain significance. Review status: criteria provided, multiple submitters, no conflicts (2 of 4 stars). 2 submissions from 2 submitters: Uncertain significance (2). Last evaluated 2025-05-16.

Conditions:
Familial thoracic aortic aneurysm and aortic dissection (TAAD). Also called: Thoracic aortic aneurysms and dissections. Identifiers: Orphanet 91387, MedGen C4707243, MONDO:0019625.
Ehlers-Danlos syndrome, kyphoscoliotic type 1 (EDSKSCL1). Also called: PLOD1-Related Kyphoscoliotic Ehlers-Danlos Syndrome; Ehlers-Danlos syndrome, hydroxylysine-deficient; EHLERS-DANLOS SYNDROME, TYPE VIA; EHLERS-DANLOS SYNDROME, OCULAR-SCOLIOTIC TYPE. Identifiers: Orphanet 1900, MedGen C0268342, MONDO:0016002, OMIM 225400. Disease mechanism: loss of function.

Allele frequency attached by ClinVar (database versions not stated): ExAC 0.00002; gnomAD exomes 0.00002 and 0.00003; TOPMed 0.00008; gnomAD 0.00009.
gnomAD v4.1: 36 of 1,594,772 alleles (0.0023%); highest among the groups gnomAD compares: African/African-American, 0.032%; no homozygotes.

Submissions (2):

Ambry Genetics
Classification: Uncertain significance for Familial thoracic aortic aneurysm and aortic dissection. Last evaluated: 2025-05-16. Review status: criteria provided, single submitter. Criteria: Ambry Variant Classification Scheme 2023. Collection method: clinical testing. Allele origin: germline.

Labcorp Genetics (formerly Invitae), Labcorp
Classification: Uncertain significance for Ehlers-Danlos syndrome, kyphoscoliotic type 1. Last evaluated: 2022-11-01. Review status: criteria provided, single submitter. Criteria: Invitae Variant Classification Sherloc (09022015). Collection method: clinical testing. Allele origin: germline.
Comment: This sequence change replaces valine, which is neutral and non-polar, with methionine, which is neutral and non-polar, at codon 435 of the PLOD1 protein (p.Val435Met). This variant is present in population databases (rs752708558, gnomAD 0.01%). This variant has not been reported in the literature in individuals affected with PLOD1-related conditions. ClinVar contains an entry for this variant (Variation ID: 955997). Advanced modeling of protein sequence and biophysical properties (such as structural, functional, and spatial information, amino acid conservation, physicochemical variation, residue mobility, and thermodynamic stability) performed at Invitae indicates that this missense variant is not expected to disrupt PLOD1 protein function. In summary, the available evidence is currently insufficient to determine the role of this variant in disease. Therefore, it has been classified as a Variant of Uncertain Significance.

NM_000302.4(PLOD1):c.1303G>A (p.Val435Met)

Gene: PLOD1 (procollagen-lysine,2-oxoglutarate 5-dioxygenase 1; plus strand). Cytogenetic location: 1p36.22.
Variant type: single nucleotide variant.
Coding change: c.1303G>A on transcript NM_000302.4 (MANE Select); coding-DNA position 1303, G replaced by A.
Protein change: p.Val435Met; replaces valine 435 with methionine.
Molecular consequence: missense variant.
Genome position (GRCh38, 1-based): chr1:11,964,275, G>A. VCF-style: chr1-11964275-G-A. GRCh37 (hg19) VCF-style: chr1-12024332-G-A.
Other names: c.1444G>A, p.Val482Met (NM_001316320.2); short protein forms V435M, V482M.
Identifiers: ClinVar variation 955997 (VCV000955997.6), dbSNP rs752708558, ClinGen allele CA598353.
Genomic context (GRCh38, chr1:11,964,275, plus strand): 5'-TGGTCGAACTTCTGGGGGGCTCTCAGTGCAGATGGCTACTATGCCCGTTCCGAGGACTAC[G>A]TGGACATTGTGCAGGGGCGGCGTGTGTGAGTACCTGCAGGGTGGGGGTGGGTGGGGGACA-3'
Protein context (NP_000293.2, residues 425-445): DGYYARSEDY[Val435Met]DIVQGRRVGV